The following is an entry in ClinVar:

ClinVar aggregate classification (germline): Likely benign. Review status: criteria provided, multiple submitters, no conflicts (2 of 4 stars). 4 submissions from 4 submitters: Likely benign (4). Last evaluated 2024-09-15.

Conditions:
Cardiomyopathy (CMYO). Also called: Cardiomyopathies. Identifiers: Orphanet 167848, MedGen C0878544, MONDO:0004994, HP:0001638. Inheritance: Various modes of inheritance.
Cardiovascular phenotype. Identifiers: MedGen CN230736.
Catecholaminergic polymorphic ventricular tachycardia (CVPT). Also called: Catecholamine-induced polymorphic ventricular tachycardia. Identifiers: Orphanet 3286, MedGen C5574922, MONDO:0017990.
Catecholaminergic polymorphic ventricular tachycardia 1. Also called: VENTRICULAR TACHYCARDIA, CATECHOLAMINERGIC POLYMORPHIC, 1, WITH OR WITHOUT ATRIAL DYSFUNCTION AND/OR DILATED CARDIOMYOPATHY; RYR2-Related Catecholaminergic Polymorphic Ventricular Tachycardia; VENTRICULAR TACHYCARDIA, STRESS-INDUCED POLYMORPHIC 1. Identifiers: Orphanet 3286, MedGen C1631597, MONDO:0011484, OMIM 604772.

gnomAD v4.1: 1 of 1,562,262 alleles (0.000064%); highest among the groups gnomAD compares: Non-Finnish European, 0.000088%; no homozygotes.

Submissions (4):

Labcorp Genetics (formerly Invitae), Labcorp
Classification: Likely benign for Catecholaminergic polymorphic ventricular tachycardia 1. Last evaluated: 2024-09-15. Review status: criteria provided, single submitter. Criteria: Invitae Variant Classification Sherloc (09022015). Collection method: clinical testing. Allele origin: germline.

All of Us Research Program, National Institutes of Health
Classification: Likely benign for Catecholaminergic polymorphic ventricular tachycardia. Last evaluated: 2023-11-30. Review status: criteria provided, single submitter. Criteria: ACMG Guidelines, 2015. Collection method: clinical testing. Allele origin: germline. Inheritance: Autosomal dominant inheritance. Observed: 3 variant alleles, 3 heterozygotes.
Comment: This study involves interpretation of variants in research participants for the purpose of population health screening. Participant phenotype was not available at the time of variant classification. Additional details can be found in publication PMID: 35346344, PMCID: PMC8962531

Ambry Genetics
Classification: Likely benign for Cardiovascular phenotype. Last evaluated: 2023-01-30. Review status: criteria provided, single submitter. Criteria: Ambry Variant Classification Scheme 2023. Collection method: clinical testing. Allele origin: germline.

Color Diagnostics, LLC DBA Color Health
Classification: Likely benign for Cardiomyopathy. Last evaluated: 2020-10-13. Review status: criteria provided, single submitter. Criteria: ACMG Guidelines, 2015. Collection method: clinical testing. Allele origin: germline.

NM_001035.3(RYR2):c.11877G>T (p.Ser3959=)

Gene: RYR2 (ryanodine receptor 2; plus strand). Cytogenetic location: 1q43.
Variant type: single nucleotide variant.
Coding change: c.11877G>T on transcript NM_001035.3 (MANE Select); coding-DNA position 11877, G replaced by T.
Protein change: p.Ser3959=; no amino-acid change (serine 3959 retained).
Molecular consequence: synonymous variant.
Genome position (GRCh38, 1-based): chr1:237,778,767, G>T. VCF-style: chr1-237778767-G-T. GRCh37 (hg19) VCF-style: chr1-237942067-G-T.
Other names: c.11877G>T (NM_001035.2).
Identifiers: ClinVar variation 1128810 (VCV001128810.15), dbSNP rs754610647, ClinGen allele CA066053.